The following is an entry in ClinVar:

ClinVar aggregate classification (germline): Likely benign (1 of 4 stars; one submission).

Submission:

CeGaT Center for Human Genetics Tuebingen
Classification: Likely benign. Last evaluated: 2024-07-01. Review status: criteria provided, single submitter. Criteria: CeGaT Center For Human Genetics Tuebingen Variant Classification Criteria Version 2. Collection method: clinical testing. Allele origin: germline. Affected: yes. Observed: 1 variant allele.
Comment: ERICH6: BP4, BP7

NM_152394.5(ERICH6):c.96A>G (p.Glu32=)

Genes: ERICH6 (glutamate rich 6; minus strand), ERICH6-AS1 (ERICH6 antisense RNA 1; plus strand), LOC129937758 (ATAC-STARR-seq lymphoblastoid active region 20695; plus strand). Cytogenetic location: 3q25.1.
Variant type: single nucleotide variant.
Coding change: c.96A>G on transcript NM_152394.5 (MANE Select); coding-DNA position 96, A replaced by G.
Protein change: p.Glu32=; no amino-acid change (glutamic acid 32 retained).
Molecular consequence: synonymous variant. On other transcripts: 5 prime UTR variant (1).
Genome position (GRCh38, 1-based): chr3:150,703,803, T>C on the plus strand (A>G on the coding strand, the complement: ERICH6 is on the minus strand). VCF-style: chr3-150703803-T-C. GRCh37 (hg19) VCF-style: chr3-150421590-T-C.
Other names: c.-39A>G (NM_001308234.2).
Identifiers: ClinVar variation 3257586 (VCV003257586.17).
Genomic context (GRCh38, chr3:150,703,803, plus strand): 5'-CTCCTCCTCCTCCACCTCTTCCTCCTCCTCCTCCACCTCTTCCTCCTCCTCCTCCACCTC[T>C]TCCTCCTCCTCCTCCTCCTCTAACTCCTCCTCTGACTCCTTCTGGTCCTTCTTCCCCGGG-3'
Protein context (NP_689607.2, residues 22-42): EEELEEEEEE[Glu32=]EVEEEEEEVE